The following is an entry in ClinVar:

NM_032444.4(SLX4):c.5359C>T (p.Gln1787Ter)

Gene: SLX4 (SLX4 structure-specific endonuclease subunit; minus strand). Cytogenetic location: 16p13.3.
Variant type: single nucleotide variant.
Coding change: c.5359C>T on transcript NM_032444.4 (MANE Select); coding-DNA position 5359, C replaced by T.
Protein change: p.Gln1787Ter; replaces glutamine 1787 with a stop codon.
Molecular consequence: nonsense.
Genome position (GRCh38, 1-based): chr16:3,582,488, G>A on the plus strand (C>T on the coding strand, the complement: SLX4 is on the minus strand). VCF-style: chr16-3582488-G-A. GRCh37 (hg19) VCF-style: chr16-3632489-G-A.
Other names: short protein forms Q1787*.
Identifiers: ClinVar variation 2832982 (VCV002832982.3), dbSNP rs1259909923, ClinGen allele CA394513662.

ClinVar aggregate classification (germline): Uncertain significance (1 of 4 stars; one submission).

Conditions:
Fanconi anemia (FA). Also called: Fanconi's anemia. Identifiers: Orphanet 84, MedGen C0015625, MeSH D005199, MONDO:0019391.

Submission:

Labcorp Genetics (formerly Invitae), Labcorp
Classification: Uncertain significance for Fanconi anemia. Last evaluated: 2023-01-30. Review status: criteria provided, single submitter. Criteria: Invitae Variant Classification Sherloc (09022015). Collection method: clinical testing. Allele origin: germline.
Comment: This sequence change creates a premature translational stop signal (p.Gln1787*) in the SLX4 gene. While this is not anticipated to result in nonsense mediated decay, it is expected to disrupt the last 48 amino acid(s) of the SLX4 protein. This variant is not present in population databases (gnomAD no frequency). This variant has not been reported in the literature in individuals affected with SLX4-related conditions. Experimental studies and prediction algorithms are not available or were not evaluated, and the functional significance of this variant is currently unknown. In summary, the available evidence is currently insufficient to determine the role of this variant in disease. Therefore, it has been classified as a Variant of Uncertain Significance.